The following is an entry in ClinVar:

NM_002972.4(SBF1):c.1051C>G (p.Pro351Ala)

Gene: SBF1 (SET binding factor 1; minus strand). Cytogenetic location: 22q13.33.
Variant type: single nucleotide variant.
Coding change: c.1051C>G on transcript NM_002972.4 (MANE Select); coding-DNA position 1051, C replaced by G.
Protein change: p.Pro351Ala; replaces proline 351 with alanine.
Molecular consequence: missense variant.
Genome position (GRCh38, 1-based): chr22:50,465,801, G>C on the plus strand (C>G on the coding strand, the complement: SBF1 is on the minus strand). VCF-style: chr22-50465801-G-C. GRCh37 (hg19) VCF-style: chr22-50904230-G-C.
Other names: c.1051C>G (NM_002972.2); c.1054C>G, p.Pro352Ala (NM_001365819.1, NM_001410794.1); c.1051C>G, p.Pro351Ala (NM_001410795.1, NM_197971.1); short protein forms P352A, P351A.
Identifiers: ClinVar variation 2052533 (VCV002052533.2), dbSNP rs374863515, ClinGen allele CA10317858.

ClinVar aggregate classification (germline): Uncertain significance. Review status: criteria provided, multiple submitters, no conflicts (2 of 4 stars). 2 submissions from 2 submitters: Uncertain significance (2). Last evaluated 2025-09-27.

Allele frequency attached by ClinVar (database versions not stated): TOPMed 0.00005; ESP Exome Variant Server 0.00008; 1000 Genomes Project 0.00020; 1000 Genomes Project 30x 0.00016; ExAC 0.00002.
gnomAD v4.1: 49 of 1,611,616 alleles (0.003%); highest among the groups gnomAD compares: East Asian, 0.058%; no homozygotes.

Submissions (2):

Ambry Genetics
Classification: Uncertain significance. Last evaluated: 2025-09-27. Review status: criteria provided, single submitter. Criteria: Ambry Variant Classification Scheme 2023. Collection method: clinical testing. Allele origin: germline.

Labcorp Genetics (formerly Invitae), Labcorp
Classification: Uncertain significance. Last evaluated: 2022-08-21. Review status: criteria provided, single submitter. Criteria: Invitae Variant Classification Sherloc (09022015). Collection method: clinical testing. Allele origin: germline.
Comment: This sequence change replaces proline, which is neutral and non-polar, with alanine, which is neutral and non-polar, at codon 351 of the SBF1 protein (p.Pro351Ala). This variant is present in population databases (rs374863515, gnomAD 0.003%). This variant has not been reported in the literature in individuals affected with SBF1-related conditions. Algorithms developed to predict the effect of missense changes on protein structure and function are either unavailable or do not agree on the potential impact of this missense change (SIFT: "Deleterious"; PolyPhen-2: "Possibly Damaging"; Align-GVGD: "Class C0"). In summary, the available evidence is currently insufficient to determine the role of this variant in disease. Therefore, it has been classified as a Variant of Uncertain Significance.